The following is an entry in ClinVar:

NC_000011.9:g.(?_9989878)_(9990102_?)del

Gene: SBF2 (SET binding factor 2; minus strand). Cytogenetic location: 11p15.4.
Variant type: Deletion.
Identifiers: ClinVar variation 1072400 (VCV001072400.7).

ClinVar aggregate classification (germline): Pathogenic (1 of 4 stars; one submission).

Conditions:
Charcot-Marie-Tooth disease type 4. Also called: Charcot-Marie-Tooth, Type 4; Charcot-Marie-Tooth disease, type IV. Identifiers: Orphanet 64749, MedGen C4082197, MONDO:0018995.

Submission:

Labcorp Genetics (formerly Invitae), Labcorp
Classification: Pathogenic for Charcot-Marie-Tooth disease type 4. Last evaluated: 2020-06-17. Review status: criteria provided, single submitter. Criteria: Invitae Variant Classification Sherloc (09022015). Collection method: clinical testing. Allele origin: germline.
Comment: This variant is an out-of-frame deletion of the genomic region encompassing exon 14 of the SBF2 gene. This is expected to create a premature translational stop signal and result in an absent or disrupted protein product. This variant has not been reported in the literature in individuals with SBF2-related conditions. Loss-of-function variants in SBF2 are known to be pathogenic (PMID: 12687498, 25873783). For these reasons, this variant has been classified as Pathogenic.

Literature cited by the submitters: PubMed 12687498; PubMed 25873783.